The following is an entry in ClinVar:

NM_000094.4(COL7A1):c.4518+1G>A

Gene: COL7A1 (collagen type VII alpha 1 chain; minus strand). Cytogenetic location: 3p21.31.
Variant type: single nucleotide variant.
Coding change: c.4518+1G>A on transcript NM_000094.4 (MANE Select); the canonical splice donor site of the intron after coding-DNA position 4518, G replaced by A.
Molecular consequence: splice donor variant.
Genome position (GRCh38, 1-based): chr3:48,583,012, C>T on the plus strand (G>A on the coding strand, the complement: COL7A1 is on the minus strand). VCF-style: chr3-48583012-C-T. GRCh37 (hg19) VCF-style: chr3-48620445-C-T.
Identifiers: ClinVar variation 1444395 (VCV001444395.8), dbSNP rs2107722847, ClinGen allele CA352689104.
Genomic context (GRCh38, chr3:48,583,012, plus strand): 5'-TCAGAACCAGAAAGGGCACAGCCAGGTCAGCTGGTATGAGCATTGCAGCCAGTGGGTTTA[C>T]CCGGGATCCCGCTGGGCCTGGGGGTCCACGTTCGCCCTGATGGAAAAGAAGAGGTCAGAG-3'

ClinVar aggregate classification (germline): Pathogenic (1 of 4 stars; one submission).

Submission:

Labcorp Genetics (formerly Invitae), Labcorp
Classification: Pathogenic. Last evaluated: 2020-11-23. Review status: criteria provided, single submitter. Criteria: Invitae Variant Classification Sherloc (09022015). Collection method: clinical testing. Allele origin: germline.
Comment: This sequence change affects a donor splice site in intron 43 of the COL7A1 gene. It is expected to disrupt RNA splicing. Variants that disrupt the donor or acceptor splice site typically lead to a loss of protein function (PMID: 16199547), and loss-of-function variants in COL7A1 are known to be pathogenic (PMID: 16971478). This variant is not present in population databases (ExAC no frequency). For these reasons, this variant has been classified as Pathogenic. Algorithms developed to predict the effect of sequence changes on RNA splicing suggest that this variant may disrupt the consensus splice site, but this prediction has not been confirmed by published transcriptional studies. Disruption of this splice site has been observed in individual(s) with autosomal recessive dystrophic epidermolysis bullosa (PMID: 24252097). In at least one individual the data is consistent with the variant being in trans (on the opposite chromosome) from a pathogenic variant.

Literature cited by the submitters: PubMed 16199547; PubMed 16971478; PubMed 24252097.